The following is an entry in ClinVar:

NM_020937.4(FANCM):c.1433G>A (p.Arg478Gln)

Gene: FANCM (FA complementation group M; plus strand). Cytogenetic location: 14q21.2.
Variant type: single nucleotide variant.
Coding change: c.1433G>A on transcript NM_020937.4 (MANE Select); coding-DNA position 1433, G replaced by A.
Protein change: p.Arg478Gln; replaces arginine 478 with glutamine.
Molecular consequence: missense variant.
Genome position (GRCh38, 1-based): chr14:45,159,132, G>A. VCF-style: chr14-45159132-G-A. GRCh37 (hg19) VCF-style: chr14-45628335-G-A.
Other names: c.1355G>A, p.Arg452Gln (NM_001308133.2); c.1433G>A, p.Arg478Gln (NM_001308134.2); short protein forms R452Q, R478Q.
Identifiers: ClinVar variation 1254738 (VCV001254738.5), dbSNP rs932978530, ClinGen allele CA259618710.

ClinVar aggregate classification (germline): Uncertain significance. Review status: criteria provided, multiple submitters, no conflicts (2 of 4 stars). 2 submissions from 2 submitters: Uncertain significance (2). Last evaluated 2023-08-09.

Conditions:
Spermatogenic failure 28. Identifiers: MedGen C4748117, MONDO:0054732, OMIM 618086.
Premature ovarian failure 15. Identifiers: MedGen C4748170, MONDO:0054862, OMIM 618096.

Allele frequency attached by ClinVar (database versions not stated): gnomAD exomes below 0.00001; gnomAD 0.00002; TOPMed 0.00002.
gnomAD v4.1: 7 of 1,612,100 alleles (0.00043%); highest among the groups gnomAD compares: African/African-American, 0.0013%; no homozygotes.

Submissions (2):

GeneDx
Classification: Uncertain significance. Last evaluated: 2023-08-09. Review status: criteria provided, single submitter. Criteria: GeneDx Variant Classification Process June 2021. Collection method: clinical testing. Allele origin: germline. Affected: yes.
Comment: Has not been previously published as pathogenic or benign to our knowledge; In silico analysis, which includes protein predictors and evolutionary conservation, supports a deleterious effect; Not observed at significant frequency in large population cohorts (gnomAD)

Fulgent Genetics
Classification: Uncertain significance for Spermatogenic failure 28; Premature ovarian failure 15. Last evaluated: 2022-01-12. Review status: criteria provided, single submitter. Criteria: ACMG Guidelines, 2015. Collection method: clinical testing. Allele origin: unknown.